The following is an entry in ClinVar:

NM_203447.4(DOCK8):c.3052G>A (p.Asp1018Asn)

Gene: DOCK8 (dedicator of cytokinesis 8; plus strand). Cytogenetic location: 9p24.3.
Variant type: single nucleotide variant.
Coding change: c.3052G>A on transcript NM_203447.4 (MANE Select); coding-DNA position 3052, G replaced by A.
Protein change: p.Asp1018Asn; replaces aspartic acid 1018 with asparagine.
Molecular consequence: missense variant.
Genome position (GRCh38, 1-based): chr9:396,866, G>A. VCF-style: chr9-396866-G-A. GRCh37 (hg19) VCF-style: chr9-396866-G-A.
Other names: c.2752G>A, p.Asp918Asn (NM_001190458.2); c.2848G>A, p.Asp950Asn (NM_001193536.2); short protein forms D1018N, D918N, D950N.
Identifiers: ClinVar variation 863900 (VCV000863900.7), dbSNP rs142910397, ClinGen allele CA4958480.

ClinVar aggregate classification (germline): Uncertain significance. Review status: criteria provided, multiple submitters, no conflicts (2 of 4 stars). 2 submissions from 2 submitters: Uncertain significance (2). Last evaluated 2025-07-03.

Conditions:
Combined immunodeficiency due to DOCK8 deficiency (HIES2). Also called: HYPER-IgE RECURRENT INFECTION SYNDROME 2, AUTOSOMAL RECESSIVE; DOCK8 Deficiency; HYPER-IgE SYNDROME 2, AUTOSOMAL RECESSIVE, WITH RECURRENT INFECTIONS; HIES autosomal recessive; Hyper-IgE recurrent infection syndrome, autosomal recessive. Identifiers: Orphanet 217390, MedGen C4722305, MONDO:0009478, OMIM 243700.
Inborn genetic diseases. Identifiers: MedGen C0950123, MeSH D030342.

Allele frequency attached by ClinVar (database versions not stated): ExAC 0.00003; gnomAD exomes 0.00008 and 0.00022; gnomAD 0.00011; TOPMed 0.00011; ESP Exome Variant Server 0.00015.
gnomAD v4.1: 363 of 1,613,978 alleles (0.022%); highest among the groups gnomAD compares: Non-Finnish European, 0.028%; no homozygotes.

Submissions (2):

Ambry Genetics
Classification: Uncertain significance for Inborn genetic diseases. Last evaluated: 2025-07-03. Review status: criteria provided, single submitter. Criteria: Ambry Variant Classification Scheme 2023. Collection method: clinical testing. Allele origin: germline.

Labcorp Genetics (formerly Invitae), Labcorp
Classification: Uncertain significance for Combined immunodeficiency due to DOCK8 deficiency. Last evaluated: 2022-10-07. Review status: criteria provided, single submitter. Criteria: Invitae Variant Classification Sherloc (09022015). Collection method: clinical testing. Allele origin: germline.
Comment: This sequence change replaces aspartic acid, which is acidic and polar, with asparagine, which is neutral and polar, at codon 1018 of the DOCK8 protein (p.Asp1018Asn). This variant is present in population databases (rs142910397, gnomAD 0.02%). This variant has not been reported in the literature in individuals affected with DOCK8-related conditions. ClinVar contains an entry for this variant (Variation ID: 863900). Advanced modeling of protein sequence and biophysical properties (such as structural, functional, and spatial information, amino acid conservation, physicochemical variation, residue mobility, and thermodynamic stability) performed at Invitae indicates that this missense variant is not expected to disrupt DOCK8 protein function. In summary, the available evidence is currently insufficient to determine the role of this variant in disease. Therefore, it has been classified as a Variant of Uncertain Significance.